The following is an entry in ClinVar:

ClinVar aggregate classification (germline): Uncertain significance (1 of 4 stars; one submission).

Conditions:
Charcot-Marie-Tooth disease X-linked dominant 6. Also called: CHARCOT-MARIE-TOOTH NEUROPATHY, X-LINKED DOMINANT, 6. Identifiers: Orphanet 352675, MedGen C3806702, MONDO:0010479, OMIM 300905.

Submission:

Labcorp Genetics (formerly Invitae), Labcorp
Classification: Uncertain significance for Charcot-Marie-Tooth disease X-linked dominant 6. Last evaluated: 2023-12-23. Review status: criteria provided, single submitter. Criteria: Invitae Variant Classification Sherloc (09022015). Collection method: clinical testing. Allele origin: germline.
Comment: This sequence change replaces leucine, which is neutral and non-polar, with proline, which is neutral and non-polar, at codon 8 of the PDK3 protein (p.Leu8Pro). This variant is not present in population databases (gnomAD no frequency). This variant has not been reported in the literature in individuals affected with PDK3-related conditions. An algorithm developed to predict the effect of missense changes on protein structure and function (PolyPhen-2) suggests that this variant is likely to be disruptive. In summary, the available evidence is currently insufficient to determine the role of this variant in disease. Therefore, it has been classified as a Variant of Uncertain Significance.

NM_005391.5(PDK3):c.23T>C (p.Leu8Pro)

Gene: PDK3 (pyruvate dehydrogenase kinase 3; plus strand). Cytogenetic location: Xp22.11.
Variant type: single nucleotide variant.
Coding change: c.23T>C on transcript NM_005391.5 (MANE Select); coding-DNA position 23, T replaced by C.
Protein change: p.Leu8Pro; replaces leucine 8 with proline.
Molecular consequence: missense variant.
Genome position (GRCh38, 1-based): chrX:24,465,478, T>C. VCF-style: chrX-24465478-T-C. GRCh37 (hg19) VCF-style: chrX-24483595-T-C.
Other names: c.23T>C, p.Leu8Pro (NM_001142386.3); short protein forms L8P.
Identifiers: ClinVar variation 2705129 (VCV002705129.3), dbSNP rs2518561544, ClinGen allele CA412603132.